The following is an entry in ClinVar:

ClinVar aggregate classification (germline): Conflicting classifications of pathogenicity. Review status: criteria provided, conflicting classifications (1 of 4 stars). 3 submissions from 3 submitters: Uncertain significance (1); Benign (1). 1 of the submissions does not count toward it. Last evaluated 2025-12-15.

Conditions:
COL13A1-related disorder. Also called: COL13A1-related condition.
Inborn genetic diseases. Identifiers: MedGen C0950123, MeSH D030342.

Allele frequency attached by ClinVar (database versions not stated): gnomAD exomes 0.00024; ExAC 0.00046; gnomAD 0.00048; TOPMed 0.00002; ESP Exome Variant Server 0.00008.
gnomAD v4.1: 411 of 1,613,654 alleles (0.025%); highest among the groups gnomAD compares: Non-Finnish European, 0.0031%; no homozygotes.

Submissions (3):

Labcorp Genetics (formerly Invitae), Labcorp
Classification: Benign. Last evaluated: 2025-12-15. Review status: criteria provided, single submitter. Criteria: Invitae Variant Classification Sherloc (09022015). Collection method: clinical testing. Allele origin: germline.

Ambry Genetics
Classification: Uncertain significance for Inborn genetic diseases. Last evaluated: 2024-01-17. Review status: criteria provided, single submitter. Criteria: Ambry Variant Classification Scheme 2023. Collection method: clinical testing. Allele origin: germline.

PreventionGenetics, part of Exact Sciences
Classification: Likely benign for COL13A1-related condition. Last evaluated: 2022-12-12. Review status: no assertion criteria provided. Collection method: clinical testing. Allele origin: germline. Not counted in ClinVar's aggregate classification.
Comment: This variant is classified as likely benign based on ACMG/AMP sequence variant interpretation guidelines (Richards et al. 2015 PMID: 25741868, with internal and published modifications).

NM_001368882.1(COL13A1):c.1921C>T (p.Pro641Ser)

Gene: COL13A1 (collagen type XIII alpha 1 chain; plus strand). Cytogenetic location: 10q22.1.
Variant type: single nucleotide variant.
Coding change: c.1921C>T on transcript NM_001368882.1 (MANE Select); coding-DNA position 1921, C replaced by T.
Protein change: p.Pro641Ser; replaces proline 641 with serine.
Molecular consequence: missense variant.
Genome position (GRCh38, 1-based): chr10:69,944,131, C>T. VCF-style: chr10-69944131-C-T. GRCh37 (hg19) VCF-style: chr10-71703887-C-T.
Other names: c.1888C>T, p.Pro630Ser (NM_001130103.2); c.1777C>T, p.Pro593Ser (NM_001320951.2); c.1798C>T, p.Pro600Ser (NM_001368883.1); c.1735C>T, p.Pro579Ser (NM_001368884.1); c.1699C>T, p.Pro567Ser (NM_001368885.1); c.1177C>T, p.Pro393Ser (NM_001368886.1); c.1708C>T, p.Pro570Ser (NM_001368895.1); c.1630C>T, p.Pro544Ser (NM_001368896.1); and 7 more; short protein forms P393S, P541S, P544S, P552S, P558S, P561S, P567S, P570S.
Identifiers: ClinVar variation 3032604 (VCV003032604.5), dbSNP rs199809931, ClinGen allele CA5535004.